The following is an entry in ClinVar:

ClinVar aggregate classification (germline): Uncertain significance (1 of 4 stars; one submission).

gnomAD v4.1: 5 of 1,611,440 alleles (0.00031%); highest among the groups gnomAD compares: African/African-American, 0.0053%; no homozygotes.

Submission:

Labcorp Genetics (formerly Invitae), Labcorp
Classification: Uncertain significance. Last evaluated: 2025-06-24. Review status: criteria provided, single submitter. Criteria: Invitae Variant Classification Sherloc (09022015). Collection method: clinical testing. Allele origin: germline.
Comment: This sequence change affects a donor splice site in intron 19 of the DIAPH3 gene. It is expected to disrupt RNA splicing. Variants that disrupt the donor or acceptor splice site typically lead to a loss of protein function (PMID: 16199547), however the current clinical and genetic evidence is not sufficient to establish whether loss-of-function variants in DIAPH3 cause disease. This variant is present in population databases (rs184838028, gnomAD 0.01%). This variant has not been reported in the literature in individuals affected with DIAPH3-related conditions. Algorithms developed to predict the effect of sequence changes on RNA splicing suggest that this variant may disrupt the consensus splice site. In summary, the available evidence is currently insufficient to determine the role of this variant in disease. Therefore, it has been classified as a Variant of Uncertain Significance.

Literature cited by the submitters: PubMed 16199547.

NM_001042517.2(DIAPH3):c.2265+1G>T

Gene: DIAPH3 (diaphanous related formin 3; minus strand). Cytogenetic location: 13q21.2.
Variant type: single nucleotide variant.
Coding change: c.2265+1G>T on transcript NM_001042517.2 (MANE Select); the canonical splice donor site of the intron after coding-DNA position 2265, G replaced by T.
Molecular consequence: splice donor variant.
Genome position (GRCh38, 1-based): chr13:59,916,154, C>A on the plus strand (G>T on the coding strand, the complement: DIAPH3 is on the minus strand). VCF-style: chr13-59916154-C-A. GRCh37 (hg19) VCF-style: chr13-60490288-C-A.
Other names: c.2055+1G>T (NM_001258368.2); c.2127+1G>T (NM_001258367.2); c.2232+1G>T (NM_001258366.2); c.2265+1G>T (NM_001258369.2); c.1476+1G>T (NM_030932.4, NM_001258370.2).
Identifiers: ClinVar variation 4763010 (VCV004763010.1).